The following is an entry in ClinVar:

ClinVar aggregate classification (germline): Uncertain significance (1 of 4 stars; one submission).

Conditions:
Primary ciliary dyskinesia. Also called: Ciliary dyskinesia. Identifiers: Orphanet 244, MedGen C0008780, MONDO:0016575, HP:0012265.

Submission:

Labcorp Genetics (formerly Invitae), Labcorp
Classification: Uncertain significance for Primary ciliary dyskinesia. Last evaluated: 2018-04-14. Review status: criteria provided, single submitter. Criteria: Invitae Variant Classification Sherloc (09022015). Collection method: clinical testing. Allele origin: germline.
Comment: This sequence change falls in intron 44 of the DNAH11 gene. It does not directly change the encoded amino acid sequence of the DNAH11 protein, but it affects a nucleotide within the consensus splice site of the intron. This variant is not present in population databases (ExAC no frequency). This variant has not been reported in the literature in individuals with DNAH11-related disease. Nucleotide substitutions within the consensus splice site are a relatively common cause of aberrant splicing (PMID: 17576681, 9536098). Algorithms developed to predict the effect of sequence changes on RNA splicing suggest that this variant is not likely to affect RNA splicing, but this prediction has not been confirmed by published transcriptional studies. In summary, the available evidence is currently insufficient to determine the role of this variant in disease. Therefore, it has been classified as a Variant of Uncertain Significance.

Literature cited by the submitters: PubMed 17576681; PubMed 9536098.

NM_001277115.2(DNAH11):c.7266+5_7266+8delinsA

Gene: DNAH11 (dynein axonemal heavy chain 11; plus strand). Cytogenetic location: 7p15.3.
Variant type: Indel.
Coding change: c.7266+5_7266+8delinsA on transcript NM_001277115.2 (MANE Select); bases 5 to 8 of the intron after coding-DNA position 7266, GTTT replaced by A.
Molecular consequence: intron variant.
Genome position (GRCh38, 1-based): chr7:21,720,861-21,720,864, GTTT replaced by A. VCF-style: chr7-21720861-GTTT-A. GRCh37 (hg19) VCF-style: chr7-21760479-GTTT-A.
Identifiers: ClinVar variation 4781305 (VCV004781305.1).